The following is an entry in ClinVar:

NM_007294.4(BRCA1):c.4362A>T (p.Val1454=)

Gene: BRCA1 (BRCA1 DNA repair associated; minus strand). Cytogenetic location: 17q21.31.
Variant type: single nucleotide variant.
Coding change: c.4362A>T on transcript NM_007294.4 (MANE Select); coding-DNA position 4362, A replaced by T.
Protein change: p.Val1454=; no amino-acid change (valine 1454 retained).
Molecular consequence: synonymous variant. On other transcripts: intron variant (3).
Genome position (GRCh38, 1-based): chr17:43,076,610, T>A on the plus strand (A>T on the coding strand, the complement: BRCA1 is on the minus strand). VCF-style: chr17-43076610-T-A. GRCh37 (hg19) VCF-style: chr17-41228627-T-A.
Other names: c.836-5372A>T (NM_001408513.1); c.4214-5372A>T (NM_001407964.1); c.927A>T, p.Val309= (NM_001408436.1, NM_001408437.1, NM_001408438.1 and 10 more transcripts); c.838+5794A>T (NM_001408514.1); c.4425A>T, p.Val1475= (NM_001407587.1, NM_001407585.1, NM_001407583.1 and 1 more transcripts); c.4428A>T, p.Val1476= (NM_001407581.1, NM_001407582.1); c.4149A>T, p.Val1383= (NM_001407571.1, NM_001407894.1, NM_001407895.1 and 12 more transcripts); c.924A>T, p.Val308= (NM_001408445.1, NM_001408446.1, NM_001408447.1 and 2 more transcripts); and 71 more.
Identifiers: ClinVar variation 2450660 (VCV002450660.2), dbSNP rs1467083210, ClinGen allele CA500146880.

ClinVar aggregate classification (germline): Uncertain significance (1 of 4 stars; one submission).

Conditions:
Hereditary cancer-predisposing syndrome. Also called: Neoplastic Syndromes, Hereditary; Tumor predisposition; Hereditary neoplastic syndrome; Hereditary Cancer Syndrome. Identifiers: Orphanet 140162, MedGen C0027672, MeSH D009386, MONDO:0015356.

gnomAD v4.1: 1 of 1,613,424 alleles (0.000062%); no homozygotes.

Submission:

Ambry Genetics
Classification: Uncertain significance for Hereditary cancer-predisposing syndrome. Last evaluated: 2022-11-18. Review status: criteria provided, single submitter. Criteria: Ambry Variant Classification Scheme 2023. Collection method: clinical testing. Allele origin: germline.
Comment: The c.4362A>T variant (also known as p.V1454V), located in coding exon 12 of the BRCA1 gene, results from an A to T substitution at nucleotide position 4362. This nucleotide substitution does not change the valine at codon 1454. This nucleotide position is not well conserved in available vertebrate species. In silico splice site analysis predicts that this alteration may result in the creation or strengthening of a novel splice acceptor site; however, direct evidence is insufficient at this time (Ambry internal data). Since supporting evidence is limited at this time, the clinical significance of this alteration remains unclear.